The following is an entry in ClinVar:

ClinVar aggregate classification (germline): Uncertain significance (1 of 4 stars; one submission).

Conditions:
Developmental and epileptic encephalopathy, 54. Also called: Epileptic encephalopathy, early infantile, 54; HNRNPU-Related Neurodevelopmental Disorder. Identifiers: MedGen C4479319, MONDO:0033363, OMIM 617391.

Submission:

Labcorp Genetics (formerly Invitae), Labcorp
Classification: Uncertain significance for Developmental and epileptic encephalopathy, 54. Last evaluated: 2023-06-27. Review status: criteria provided, single submitter. Criteria: Invitae Variant Classification Sherloc (09022015). Collection method: clinical testing. Allele origin: germline.
Comment: In summary, the available evidence is currently insufficient to determine the role of this variant in disease. Therefore, it has been classified as a Variant of Uncertain Significance. Advanced modeling of protein sequence and biophysical properties (such as structural, functional, and spatial information, amino acid conservation, physicochemical variation, residue mobility, and thermodynamic stability) performed at Invitae indicates that this missense variant is not expected to disrupt HNRNPU protein function. This variant has not been reported in the literature in individuals affected with HNRNPU-related conditions. This variant is not present in population databases (gnomAD no frequency). This sequence change replaces isoleucine, which is neutral and non-polar, with valine, which is neutral and non-polar, at codon 434 of the HNRNPU protein (p.Ile434Val).

NM_031844.3(HNRNPU):c.1300A>G (p.Ile434Val)

Gene: HNRNPU (heterogeneous nuclear ribonucleoprotein U; minus strand). Cytogenetic location: 1q44.
Variant type: single nucleotide variant.
Coding change: c.1300A>G on transcript NM_031844.3 (MANE Select); coding-DNA position 1300, A replaced by G.
Protein change: p.Ile434Val; replaces isoleucine 434 with valine.
Molecular consequence: missense variant.
Genome position (GRCh38, 1-based): chr1:244,858,205, T>C on the plus strand (A>G on the coding strand, the complement: HNRNPU is on the minus strand). VCF-style: chr1-244858205-T-C. GRCh37 (hg19) VCF-style: chr1-245021507-T-C.
Other names: c.1243A>G, p.Ile415Val (NM_004501.3); short protein forms I415V, I434V.
Identifiers: ClinVar variation 2964328 (VCV002964328.3), dbSNP rs1680730475, ClinGen allele CA345491937.